The following is an entry in ClinVar:

NM_001387430.1(SH2B1):c.1915G>A (p.Asp639Asn)

Gene: SH2B1 (SH2B adaptor protein 1; plus strand). Cytogenetic location: 16p11.2.
Variant type: single nucleotide variant.
Coding change: c.1915G>A on transcript NM_001387430.1 (MANE Select); coding-DNA position 1915, G replaced by A.
Protein change: p.Asp639Asn; replaces aspartic acid 639 with asparagine.
Molecular consequence: missense variant. On other transcripts: synonymous variant (4), 3 prime UTR variant (1).
Genome position (GRCh38, 1-based): chr16:28,873,464, G>A. VCF-style: chr16-28873464-G-A. GRCh37 (hg19) VCF-style: chr16-28884785-G-A.
Other names: c.1915G>A, p.Asp639Asn (NM_001145795.2, NM_001308293.2, NM_001387404.1); c.2015G>A, p.Ter672= (NM_001145796.2, NM_001145812.2, NM_015503.3); c.*16G>A (NM_001145797.2); c.1007G>A, p.Ter336= (NM_001308294.2); c.1915G>A (NM_001145795.1); short protein forms D639N.
Identifiers: ClinVar variation 2787481 (VCV002787481.4), dbSNP rs776807483, ClinGen allele CA7986394.

ClinVar aggregate classification (germline): Uncertain significance. Review status: criteria provided, single submitter (1 of 4 stars). 2 submissions from 2 submitters: Uncertain significance (1). 1 of the submissions does not count toward it. Last evaluated 2023-09-29.

Conditions:
SH2B1-related disorder. Also called: SH2B1-related condition.

Allele frequency attached by ClinVar (database versions not stated): gnomAD 0.00001; gnomAD exomes 0.00001; ExAC 0.00002; TOPMed 0.00002.
gnomAD v4.1: 14 of 1,566,718 alleles (0.00089%); highest among the groups gnomAD compares: South Asian, 0.0047%; no homozygotes.

Submissions (2):

Labcorp Genetics (formerly Invitae), Labcorp
Classification: Uncertain significance. Last evaluated: 2023-09-29. Review status: criteria provided, single submitter. Criteria: Invitae Variant Classification Sherloc (09022015). Collection method: clinical testing. Allele origin: germline.
Comment: This variant is present in population databases (rs776807483, gnomAD 0.004%). This sequence change replaces aspartic acid, which is acidic and polar, with asparagine, which is neutral and polar, at codon 639 of the SH2B1 protein (p.Asp639Asn). This variant has not been reported in the literature in individuals affected with SH2B1-related conditions. An algorithm developed to predict the effect of missense changes on protein structure and function (PolyPhen-2) suggests that this variant is likely to be disruptive. In summary, the available evidence is currently insufficient to determine the role of this variant in disease. Therefore, it has been classified as a Variant of Uncertain Significance.

PreventionGenetics, part of Exact Sciences
Classification: Uncertain significance for SH2B1-related condition. Last evaluated: 2024-03-03. Review status: no assertion criteria provided. Collection method: clinical testing. Allele origin: germline. Not counted in ClinVar's aggregate classification.
Comment: The SH2B1 c.1915G>A variant is predicted to result in the amino acid substitution p.Asp639Asn. To our knowledge, this variant has not been reported in the literature. This variant is reported in 0.0042% of alleles in individuals of African descent in gnomAD. At this time, the clinical significance of this variant is uncertain due to the absence of conclusive functional and genetic evidence.